The following is an entry in ClinVar:

NM_000081.4(LYST):c.2288G>A (p.Ser763Asn)

Gene: LYST (lysosomal trafficking regulator; minus strand). Cytogenetic location: 1q42.3.
Variant type: single nucleotide variant.
Coding change: c.2288G>A on transcript NM_000081.4 (MANE Select); coding-DNA position 2288, G replaced by A.
Protein change: p.Ser763Asn; replaces serine 763 with asparagine.
Molecular consequence: missense variant.
Genome position (GRCh38, 1-based): chr1:235,808,530, C>T on the plus strand (G>A on the coding strand, the complement: LYST is on the minus strand). VCF-style: chr1-235808530-C-T. GRCh37 (hg19) VCF-style: chr1-235971830-C-T.
Other names: c.2288G>A, p.Ser763Asn (NM_001301365.1); short protein forms S763N.
Identifiers: ClinVar variation 1994568 (VCV001994568.4), dbSNP rs2527103420, ClinGen allele CA344958658.

ClinVar aggregate classification (germline): Uncertain significance (1 of 4 stars; one submission).

Conditions:
Chédiak-Higashi syndrome (CHS). Also called: Chediak-Higashi Syndrome. Identifiers: Orphanet 167, MedGen C0007965, MONDO:0008963, OMIM 214500.

Submission:

Labcorp Genetics (formerly Invitae), Labcorp
Classification: Uncertain significance for Chédiak-Higashi syndrome. Last evaluated: 2023-10-16. Review status: criteria provided, single submitter. Criteria: Invitae Variant Classification Sherloc (09022015). Collection method: clinical testing. Allele origin: germline.
Comment: This sequence change replaces serine, which is neutral and polar, with asparagine, which is neutral and polar, at codon 763 of the LYST protein (p.Ser763Asn). This variant is not present in population databases (gnomAD no frequency). This variant has not been reported in the literature in individuals affected with LYST-related conditions. ClinVar contains an entry for this variant (Variation ID: 1994568). Advanced modeling of protein sequence and biophysical properties (such as structural, functional, and spatial information, amino acid conservation, physicochemical variation, residue mobility, and thermodynamic stability) performed at Invitae indicates that this missense variant is not expected to disrupt LYST protein function. In summary, the available evidence is currently insufficient to determine the role of this variant in disease. Therefore, it has been classified as a Variant of Uncertain Significance.